The following is an entry in ClinVar:

ClinVar aggregate classification (germline): Likely benign (0 of 4 stars; one submission).

Conditions:
DNAH7-related disorder. Also called: DNAH7-related condition.

Allele frequency attached by ClinVar (database versions not stated): TOPMed 0.00003; gnomAD 0.00023; gnomAD exomes 0.00028; ExAC 0.00078; 1000 Genomes Project 30x 0.00250; 1000 Genomes Project 0.00280.
gnomAD v4.1: 450 of 1,613,592 alleles (0.028%); highest among the groups gnomAD compares: South Asian, 0.43%; 5 homozygotes.

Submission:

PreventionGenetics, part of Exact Sciences
Classification: Likely benign for DNAH7-related condition. Last evaluated: 2023-01-12. Review status: no assertion criteria provided. Collection method: clinical testing. Allele origin: germline.
Comment: This variant is classified as likely benign based on ACMG/AMP sequence variant interpretation guidelines (Richards et al. 2015 PMID: 25741868, with internal and published modifications).

NM_018897.3(DNAH7):c.2849T>C (p.Met950Thr)

Gene: DNAH7 (dynein axonemal heavy chain 7; minus strand). Cytogenetic location: 2q32.3.
Variant type: single nucleotide variant.
Coding change: c.2849T>C on transcript NM_018897.3 (MANE Select); coding-DNA position 2849, T replaced by C.
Protein change: p.Met950Thr; replaces methionine 950 with threonine.
Molecular consequence: missense variant.
Genome position (GRCh38, 1-based): chr2:195,960,302, A>G on the plus strand (T>C on the coding strand, the complement: DNAH7 is on the minus strand). VCF-style: chr2-195960302-A-G. GRCh37 (hg19) VCF-style: chr2-196825026-A-G.
Other names: short protein forms M950T.
Identifiers: ClinVar variation 3032974 (VCV003032974.2), dbSNP rs531993818, ClinGen allele CA2036267.